The following is an entry in ClinVar:

NM_005045.4(RELN):c.7886C>G (p.Pro2629Arg)

Gene: RELN (reelin; minus strand). Cytogenetic location: 7q22.1.
Variant type: single nucleotide variant.
Coding change: c.7886C>G on transcript NM_005045.4 (MANE Select); coding-DNA position 7886, C replaced by G.
Protein change: p.Pro2629Arg; replaces proline 2629 with arginine.
Molecular consequence: missense variant.
Genome position (GRCh38, 1-based): chr7:103,515,418, G>C on the plus strand (C>G on the coding strand, the complement: RELN is on the minus strand). VCF-style: chr7-103515418-G-C. GRCh37 (hg19) VCF-style: chr7-103155865-G-C.
Other names: c.7886C>G, p.Pro2629Arg (NM_173054.3); short protein forms P2629R.
Identifiers: ClinVar variation 1714771 (VCV001714771.5), dbSNP rs2484741419, ClinGen allele CA368763561.

ClinVar aggregate classification (germline): Uncertain significance (1 of 4 stars; one submission).

Conditions:
Familial temporal lobe epilepsy 7. Identifiers: Orphanet 101046, MedGen C4225327, MONDO:0014639, OMIM 616436.
Norman-Roberts syndrome (LIS2). Also called: Lissencephaly 2 (Norman-Roberts type). Identifiers: Orphanet 89844, MedGen C0796089, MONDO:0009760, OMIM 257320.

Submission:

Labcorp Genetics (formerly Invitae), Labcorp
Classification: Uncertain significance for Familial temporal lobe epilepsy 7; Norman-Roberts syndrome. Last evaluated: 2022-08-09. Review status: criteria provided, single submitter. Criteria: Invitae Variant Classification Sherloc (09022015). Collection method: clinical testing. Allele origin: germline.
Comment: This variant is not present in population databases (gnomAD no frequency). This sequence change replaces proline, which is neutral and non-polar, with arginine, which is basic and polar, at codon 2629 of the RELN protein (p.Pro2629Arg). This variant has not been reported in the literature in individuals affected with RELN-related conditions. In summary, the available evidence is currently insufficient to determine the role of this variant in disease. Therefore, it has been classified as a Variant of Uncertain Significance. Algorithms developed to predict the effect of missense changes on protein structure and function (SIFT, PolyPhen-2, Align-GVGD) all suggest that this variant is likely to be tolerated.